The following is an entry in ClinVar:

ClinVar aggregate classification (germline): Uncertain significance (1 of 4 stars; one submission).

Allele frequency attached by ClinVar (database versions not stated): ExAC 0.00002; gnomAD exomes 0.00002 and 0.00004; TOPMed 0.00003; gnomAD 0.00004; ESP Exome Variant Server 0.00008.
gnomAD v4.1: 59 of 1,614,062 alleles (0.0037%); highest among the groups gnomAD compares: Admixed American, 0.005%; no homozygotes.

Submission:

Laboratory for Molecular Medicine, Mass General Brigham Personalized Medicine
Classification: Uncertain significance. Last evaluated: 2015-09-01. Review status: criteria provided, single submitter. Criteria: LMM Criteria. Collection method: clinical testing. Allele origin: germline. Observed: 1 variant allele.
Comment: The p.Lys360Arg variant in TSPEAR has not been previously reported in individual s with hearing loss, but has been identified in 1/66726 of European chromosomes by the Exome Aggregation Consortium (ExAC; rs375 829414). The lysine (Lys) at position 360 is not conserved in mammals or evoluti onary distant species with rabbit and armadillo having an arginine (Arg), raisin g the possibility that a change at this position may be tolerated. Additional co mputational prediction tools do not provide strong support for or against an imp act to the protein. In summary, the clinical significance of the p.Lys360Arg var iant is uncertain.

NM_144991.3(TSPEAR):c.1079A>G (p.Lys360Arg)

Gene: TSPEAR (thrombospondin type laminin G domain and EAR repeats; minus strand). Cytogenetic location: 21q22.3.
Variant type: single nucleotide variant.
Coding change: c.1079A>G on transcript NM_144991.3 (MANE Select); coding-DNA position 1079, A replaced by G.
Protein change: p.Lys360Arg; replaces lysine 360 with arginine.
Molecular consequence: missense variant.
Genome position (GRCh38, 1-based): chr21:44,527,362, T>C on the plus strand (A>G on the coding strand, the complement: TSPEAR is on the minus strand). VCF-style: chr21-44527362-T-C. GRCh37 (hg19) VCF-style: chr21-45947245-T-C.
Other names: c.875A>G, p.Lys292Arg (NM_001272037.2); short protein forms K360R, K292R.
Identifiers: ClinVar variation 229370 (VCV000229370.5), dbSNP rs375829414, ClinGen allele CA10056735.
Genomic context (GRCh38, chr21:44,527,362, plus strand): 5'-ATGGTGAAATGCCTCCAGGCCTGTGCTTGGTGCGTGGGGATGTTCTGATATGAGACGAAC[T>C]TCTCTTCGGTCCACTTGTAGACGGCGGATGTGGCTTTGCGATTGGCTGTGGCCACAAAGA-3'
Protein context (NP_659428.2, residues 350-370): TSAVYKWTEE[Lys360Arg]FVSYQNIPTH